The following is an entry in ClinVar:

NM_000138.5(FBN1):c.6554T>C (p.Ile2185Thr)

Gene: FBN1 (fibrillin 1; minus strand). Cytogenetic location: 15q21.1.
Variant type: single nucleotide variant.
Coding change: c.6554T>C on transcript NM_000138.5 (MANE Select); coding-DNA position 6554, T replaced by C.
Protein change: p.Ile2185Thr; replaces isoleucine 2185 with threonine.
Molecular consequence: missense variant.
Genome position (GRCh38, 1-based): chr15:48,434,656, A>G on the plus strand (T>C on the coding strand, the complement: FBN1 is on the minus strand). VCF-style: chr15-48434656-A-G. GRCh37 (hg19) VCF-style: chr15-48726853-A-G.
Other names: short protein forms I2185T.
Identifiers: ClinVar variation 519696 (VCV000519696.32), dbSNP rs910656654, ClinGen allele CA269524605.
Genomic context (GRCh38, chr15:48,434,656, plus strand): 5'-TCACATGTCATCATTGGACCGGGCTCAAATCCCTCCTCGCAGGTGCATTCAAAACCTCCA[A>G]TCACATTCTTGCAGGTTCCATTTCCACAAGGATTGCCAACAGAACATTCATCAGTATCTG-3'
Protein context (NP_000129.3, residues 2175-2195): PCGNGTCKNV[Ile2185Thr]GGFECTCEEG

ClinVar aggregate classification (germline): Conflicting classifications of pathogenicity. Review status: criteria provided, conflicting classifications (1 of 4 stars). 5 submissions from 5 submitters: Pathogenic (1); Likely pathogenic (2); Uncertain significance (1). 1 of the submissions does not count toward it. Last evaluated 2026-08-26.

Conditions:
Marfan syndrome (MFS). Also called: FBN1-Related Marfan Syndrome; Marfan's syndrome; MARFAN SYNDROME, TYPE I; Marfan syndrome, classic; Marfan syndrome type 1. Identifiers: Orphanet 284963, Orphanet 558, MedGen C0024796, MONDO:0007947, OMIM 154700.
Familial thoracic aortic aneurysm and aortic dissection (TAAD). Also called: Thoracic aortic aneurysms and dissections. Identifiers: Orphanet 91387, MedGen C4707243, MONDO:0019625.

Allele frequency attached by ClinVar (database versions not stated): TOPMed 0.00002.

Submissions (5):

Ambry Genetics
Classification: Likely pathogenic for Familial thoracic aortic aneurysm and aortic dissection. Last evaluated: 2026-08-26. Review status: criteria provided, single submitter. Criteria: Ambry Variant Classification Scheme 2023. Collection method: clinical testing. Allele origin: germline.
Comment: The p.I2185T variant (also known as c.6554T>C), located in coding exon 53 of the FBN1 gene, results from a T to C substitution at nucleotide position 6554. The isoleucine at codon 2185 is replaced by threonine, an amino acid with similar properties. This variant was reported in individual(s) with features consistent with Marfan syndrome and segregated with disease in at least one family (Comeglio P et al. Hum Mutat, 2007 Sep;28:928; Baetens M et al. Hum Mutat, 2011 Sep;32:1053-62; Damrauer SM et al. Circ Genom Precis Med, 2019 Jun;12:e002454; Meester JAN et al. Genet Med, 2022 May;24:1045-1053; Hauger PC et al. Stem Cell Res. 2026 Jun;95:104029; external communication; Ambry internal data). This amino acid position is well conserved in available vertebrate species. In addition, this alteration is predicted to be deleterious by in silico analysis. This variant is considered to be rare based on population cohorts in the Genome Aggregation Database (gnomAD). Based on the majority of available evidence to date, this variant is likely to be pathogenic.

Labcorp Genetics (formerly Invitae), Labcorp
Classification: Pathogenic for Marfan syndrome; Familial thoracic aortic aneurysm and aortic dissection. Last evaluated: 2025-07-29. Review status: criteria provided, single submitter. Criteria: Invitae Variant Classification Sherloc (09022015). Collection method: clinical testing. Allele origin: germline.
Comment: This sequence change replaces isoleucine, which is neutral and non-polar, with threonine, which is neutral and polar, at codon 2185 of the FBN1 protein (p.Ile2185Thr). This variant is not present in population databases (gnomAD no frequency). This missense change has been observed in individuals with clinical features of Marfan syndrome (PMID: 17657824, 21542060, 24161884, 31211626; internal data). It has also been observed to segregate with disease in related individuals. ClinVar contains an entry for this variant (Variation ID: 519696). Invitae Evidence Modeling of protein sequence and biophysical properties (such as structural, functional, and spatial information, amino acid conservation, physicochemical variation, residue mobility, and thermodynamic stability) has been performed for this missense variant. However, the output from this modeling did not meet the statistical confidence thresholds required to predict the impact of this variant on FBN1 protein function. For these reasons, this variant has been classified as Pathogenic.

ARUP Laboratories, Molecular Genetics and Genomics, ARUP Laboratories
Classification: Uncertain significance. Last evaluated: 2025-04-17. Review status: criteria provided, single submitter. Criteria: ARUP Molecular Germline Variant Investigation Process 2024. Collection method: clinical testing. Allele origin: germline.
Comment: The FBN1 c.6554T>C; p.Ile2185Thr variant (rs910656654, ClinVar Variation ID: 519696) is reported in the literature in individuals with clinical features of Marfan syndrome though not all meet diagnostic criteria (Aalberts 2014, Baetens 2011, Comeglio 2007, Damrauer 2019). This variant is absent from the Genome Aggregation Database (v2.1.1), indicating that it is not a common polymorphism. Computational analyses are uncertain whether this variant is neutral or deleterious (REVEL = 0.619). Due to limited information, the clinical significance of this variant is uncertain at this time. References: Aalberts JJ et al. Relation between genotype and left-ventricular dilatation in patients with Marfan syndrome. Gene. 2014 Jan 15;534(1):40-3. PMID: 24161884. Baetens M et al. Applying massive parallel sequencing to molecular diagnosis of Marfan and Loeys-Dietz syndromes. Hum Mutat. 2011 Sep;32(9):1053-62. PMID: 21542060. Comeglio P et al. The importance of mutation detection in Marfan syndrome and Marfan-related disorders: report of 193 FBN1 mutations. Hum Mutat. 2007 Sep;28(9):928. PMID: 17657824. Damrauer SM et al. FBN1 Coding Variants and Nonsyndromic Aortic Disease. Circ Genom Precis Med. 2019 Jun;12(6):e002454. PMID: 31211626.

Centre of Medical Genetics, University of Antwerp
Classification: Likely pathogenic for Marfan syndrome. Last evaluated: 2021-03-01. Review status: criteria provided, single submitter. Criteria: Submitter's publication. Collection method: research. Allele origin: unknown. Affected: yes.
Comment: PM2, PS1, PP4

Center for Medical Genetics Ghent, University of Ghent
Classification: Uncertain significance for Marfan syndrome. Last evaluated: 2017-11-07. Review status: flagged submission. Collection method: clinical testing. Allele origin: germline. Affected: yes. Not counted in ClinVar's aggregate classification.
ClinVar note: Reason: Older claim that does not account for recent evidence

Literature cited by the submitters: PubMed 17657824 (cited by Ambry Genetics and Labcorp Genetics (formerly Invitae), Labcorp); PubMed 21542060 (cited by Ambry Genetics and Labcorp Genetics (formerly Invitae), Labcorp); PubMed 31211626 (cited by Ambry Genetics and Labcorp Genetics (formerly Invitae), Labcorp); PubMed 35058154 (cited by Ambry Genetics); PubMed 42263533 (cited by Ambry Genetics); PubMed 24161884 (cited by Labcorp Genetics (formerly Invitae), Labcorp).